The following is an entry in ClinVar:

ClinVar aggregate classification (germline): Uncertain significance (1 of 4 stars; one submission).

Conditions:
Developmental and epileptic encephalopathy, 34 (DEE34). Also called: Early infantile epileptic encephalopathy 34; SLC12A5-Related Epilepsy of Infancy with Migrating Focal Seizures. Identifiers: Orphanet 293181, MedGen C4225257, MONDO:0014718, OMIM 616645.

Allele frequency attached by ClinVar (database versions not stated): gnomAD exomes 0.00001; TOPMed 0.00001.
gnomAD v4.1: 3 of 1,542,462 alleles (0.00019%); highest among the groups gnomAD compares: Non-Finnish European, 0.00026%; no homozygotes.

Submission:

Labcorp Genetics (formerly Invitae), Labcorp
Classification: Uncertain significance for Developmental and epileptic encephalopathy, 34. Last evaluated: 2022-07-29. Review status: criteria provided, single submitter. Criteria: Invitae Variant Classification Sherloc (09022015). Collection method: clinical testing. Allele origin: germline.
Comment: This variant has not been reported in the literature in individuals affected with SLC12A5-related conditions. In summary, the available evidence is currently insufficient to determine the role of this variant in disease. Therefore, it has been classified as a Variant of Uncertain Significance. Algorithms developed to predict the effect of missense changes on protein structure and function (SIFT, PolyPhen-2, Align-GVGD) all suggest that this variant is likely to be tolerated. This variant is not present in population databases (gnomAD no frequency). This sequence change replaces proline, which is neutral and non-polar, with arginine, which is basic and polar, at codon 17 of the SLC12A5 protein (p.Pro17Arg).

NM_020708.5(SLC12A5):c.50C>G (p.Pro17Arg)

Gene: SLC12A5 (solute carrier family 12 member 5; plus strand). Cytogenetic location: 20q13.12.
Variant type: single nucleotide variant.
Coding change: c.50C>G on transcript NM_020708.5 (MANE Select); coding-DNA position 50, C replaced by G.
Protein change: p.Pro17Arg; replaces proline 17 with arginine.
Molecular consequence: missense variant. On other transcripts: intron variant (1).
Genome position (GRCh38, 1-based): chr20:46,029,394, C>G. VCF-style: chr20-46029394-C-G. GRCh37 (hg19) VCF-style: chr20-44658033-C-G.
Other names: c.122-5554C>G (NM_001134771.2); short protein forms P17R.
Identifiers: ClinVar variation 1714097 (VCV001714097.6), dbSNP rs2084424877, ClinGen allele CA409232717.